The following is an entry in ClinVar:

NM_199420.4(POLQ):c.6346C>G (p.Gln2116Glu)

Gene: POLQ (DNA polymerase theta; minus strand). Cytogenetic location: 3q13.33.
Variant type: single nucleotide variant.
Coding change: c.6346C>G on transcript NM_199420.4 (MANE Select); coding-DNA position 6346, C replaced by G.
Protein change: p.Gln2116Glu; replaces glutamine 2116 with glutamic acid.
Molecular consequence: missense variant.
Genome position (GRCh38, 1-based): chr3:121,476,599, G>C on the plus strand (C>G on the coding strand, the complement: POLQ is on the minus strand). VCF-style: chr3-121476599-G-C. GRCh37 (hg19) VCF-style: chr3-121195446-G-C.
Other names: short protein forms Q2116E.
Identifiers: ClinVar variation 1752972 (VCV001752972.3), dbSNP rs758802188, ClinGen allele CA354086898.

ClinVar aggregate classification (germline): Uncertain significance (1 of 4 stars; one submission).

gnomAD v4.1: 1 of 1,613,884 alleles (0.000062%); highest among the groups gnomAD compares: Admixed American, 0.0017%; no homozygotes.

Submission:

Ambry Genetics
Classification: Uncertain significance. Last evaluated: 2024-07-06. Review status: criteria provided, single submitter. Criteria: Ambry Variant Classification Scheme 2023. Collection method: clinical testing. Allele origin: germline.
Comment: The p.Q2116E variant (also known as c.6346C>G), located in coding exon 20 of the POLQ gene, results from a C to G substitution at nucleotide position 6346. The glutamine at codon 2116 is replaced by glutamic acid, an amino acid with highly similar properties. This amino acid position is conserved. In addition, this alteration is predicted to be tolerated by in silico analysis. Since supporting evidence is limited at this time, the clinical significance of this alteration remains unclear.